The following is an entry in ClinVar:

NM_020754.4(ARHGAP31):c.2021C>T (p.Pro674Leu)

Gene: ARHGAP31 (Rho GTPase activating protein 31; plus strand). Cytogenetic location: 3q13.33.
Variant type: single nucleotide variant.
Coding change: c.2021C>T on transcript NM_020754.4 (MANE Select); coding-DNA position 2021, C replaced by T.
Protein change: p.Pro674Leu; replaces proline 674 with leucine.
Molecular consequence: missense variant.
Genome position (GRCh38, 1-based): chr3:119,413,950, C>T. VCF-style: chr3-119413950-C-T. GRCh37 (hg19) VCF-style: chr3-119132797-C-T.
Other names: short protein forms P674L.
Identifiers: ClinVar variation 2099981 (VCV002099981.4), dbSNP rs2472874704, ClinGen allele CA354048353.

ClinVar aggregate classification (germline): Uncertain significance (1 of 4 stars; one submission).

Submission:

Labcorp Genetics (formerly Invitae), Labcorp
Classification: Uncertain significance. Last evaluated: 2022-10-13. Review status: criteria provided, single submitter. Criteria: Invitae Variant Classification Sherloc (09022015). Collection method: clinical testing. Allele origin: germline.
Comment: In summary, the available evidence is currently insufficient to determine the role of this variant in disease. Therefore, it has been classified as a Variant of Uncertain Significance. Algorithms developed to predict the effect of missense changes on protein structure and function (SIFT, PolyPhen-2, Align-GVGD) all suggest that this variant is likely to be tolerated. This variant has not been reported in the literature in individuals affected with ARHGAP31-related conditions. This variant is not present in population databases (gnomAD no frequency). This sequence change replaces proline, which is neutral and non-polar, with leucine, which is neutral and non-polar, at codon 674 of the ARHGAP31 protein (p.Pro674Leu).